The following is an entry in ClinVar:

NC_000016.9:g.(?_16253319)_(16292059_?)dup

Gene: ABCC6 (ATP binding cassette subfamily C member 6; minus strand). Cytogenetic location: 16p13.11.
Variant type: Duplication.
Identifiers: ClinVar variation 2423921 (VCV002423921.4).

ClinVar aggregate classification (germline): Uncertain significance (1 of 4 stars; one submission).

Submission:

Labcorp Genetics (formerly Invitae), Labcorp
Classification: Uncertain significance. Last evaluated: 2023-11-14. Review status: criteria provided, single submitter. Criteria: Invitae Variant Classification Sherloc (09022015). Collection method: clinical testing. Allele origin: germline.
Comment: This variant results in a copy number gain of the genomic region encompassing exon(s) 10-26 of the ABCC6 gene. While the exact position of this variant cannot be determined from the data, sub-genic copy number gains are generally in tandem (PMID: 25640679). This variant is predicted to be in-frame, and likely preserves the integrity of the reading frame. This variant has not been reported in the literature in individuals affected with ABCC6-related conditions. Experimental studies and prediction algorithms are not available or were not evaluated, and the functional significance of this variant is currently unknown. In summary, the available evidence is currently insufficient to determine the role of this variant in disease. Therefore, it has been classified as a Variant of Uncertain Significance.

Literature cited by the submitters: PubMed 25640679.